The following is an entry in ClinVar:

ClinVar aggregate classification (germline): Uncertain significance. Review status: criteria provided, multiple submitters, no conflicts (2 of 4 stars). 3 submissions from 3 submitters: Uncertain significance (3). Last evaluated 2025-05-27.

Conditions:
Arrhythmogenic right ventricular dysplasia 8 (ARVD8). Also called: Arrhythmogenic Right Ventricular Dysplasia/Cardiomyopathy 8; ARRHYTHMOGENIC RIGHT VENTRICULAR DYSPLASIA, FAMILIAL, 8; ARRHYTHMOGENIC RIGHT VENTRICULAR CARDIOMYOPATHY 8. Identifiers: MedGen C1843896, MONDO:0011831, OMIM 607450.
Arrhythmogenic cardiomyopathy with wooly hair and keratoderma. Also called: PALMOPLANTAR KERATODERMA WITH LEFT VENTRICULAR CARDIOMYOPATHY AND WOOLLY HAIR; Carvajal syndrome; Dilated cardiomyopathy with woolly hair and keratoderma; Arrhythmogenic cardiomyopathy with woolly hair and keratoderma. Identifiers: Orphanet 65282, MedGen C1854063, MONDO:0011581, OMIM 605676.
Cardiomyopathy (CMYO). Also called: Cardiomyopathies. Identifiers: Orphanet 167848, MedGen C0878544, MONDO:0004994, HP:0001638. Inheritance: Various modes of inheritance.

Submissions (3):

GeneDx
Classification: Uncertain significance. Last evaluated: 2025-05-27. Review status: criteria provided, single submitter. Criteria: GeneDx Variant Classification Process June 2021. Collection method: clinical testing. Allele origin: germline. Affected: yes.
Comment: Not observed at significant frequency in large population cohorts (gnomAD); In silico analysis supports that this missense variant has a deleterious effect on protein structure/function; Has not been previously published as pathogenic or benign to our knowledge

Labcorp Genetics (formerly Invitae), Labcorp
Classification: Uncertain significance for Arrhythmogenic cardiomyopathy with wooly hair and keratoderma; Arrhythmogenic right ventricular dysplasia 8. Last evaluated: 2025-01-16. Review status: criteria provided, single submitter. Criteria: Invitae Variant Classification Sherloc (09022015). Collection method: clinical testing. Allele origin: germline.
Comment: This sequence change replaces arginine, which is basic and polar, with proline, which is neutral and non-polar, at codon 2013 of the DSP protein (p.Arg2013Pro). This variant is not present in population databases (gnomAD no frequency). This variant has not been reported in the literature in individuals affected with DSP-related conditions. ClinVar contains an entry for this variant (Variation ID: 924225). An algorithm developed to predict the effect of missense changes on protein structure and function (PolyPhen-2) suggests that this variant is likely to be disruptive. In summary, the available evidence is currently insufficient to determine the role of this variant in disease. Therefore, it has been classified as a Variant of Uncertain Significance.

Color Diagnostics, LLC DBA Color Health
Classification: Uncertain significance for Cardiomyopathy. Last evaluated: 2024-03-06. Review status: criteria provided, single submitter. Criteria: ACMG Guidelines, 2015. Collection method: clinical testing. Allele origin: germline.
Comment: This missense variant replaces arginine with proline at codon 2013 of the DSP protein. Computational prediction suggests that this variant may not impact protein structure and function (internally defined REVEL score threshold <= 0.5, PMID: 27666373). Splice site prediction tools suggest that this variant may not impact RNA splicing. To our knowledge, functional studies have not been performed for this variant. This variant has not been reported in individuals affected with cardiovascular disorders in the literature. This variant has not been identified in the general population by the Genome Aggregation Database (gnomAD). The available evidence is insufficient to determine the role of this variant in disease conclusively. Therefore, this variant is classified as a Variant of Uncertain Significance.

NM_004415.4(DSP):c.6038G>C (p.Arg2013Pro)

Gene: DSP (desmoplakin; plus strand). Cytogenetic location: 6p24.3.
Variant type: single nucleotide variant.
Coding change: c.6038G>C on transcript NM_004415.4 (MANE Select); coding-DNA position 6038, G replaced by C.
Protein change: p.Arg2013Pro; replaces arginine 2013 with proline.
Molecular consequence: missense variant.
Genome position (GRCh38, 1-based): chr6:7,583,300, G>C. VCF-style: chr6-7583300-G-C. GRCh37 (hg19) VCF-style: chr6-7583533-G-C.
Other names: c.4241G>C, p.Arg1414Pro (NM_001008844.3); c.4709G>C, p.Arg1570Pro (NM_001319034.2); short protein forms R1570P, R2013P, R1414P.
Identifiers: ClinVar variation 924225 (VCV000924225.7), dbSNP rs557263443, ClinGen allele CA362689957.